The following is an entry in ClinVar:

ClinVar aggregate classification (germline): Uncertain significance (1 of 4 stars; one submission).

Conditions:
Nemaline myopathy 6 (NEM6). Also called: Nemaline myopathy 6, autosomal dominant. Identifiers: Orphanet 171439, MedGen C1836472, MONDO:0012237, OMIM 609273.

Allele frequency attached by ClinVar (database versions not stated): TOPMed below 0.00001; gnomAD 0.00001.

Submission:

Labcorp Genetics (formerly Invitae), Labcorp
Classification: Uncertain significance for Nemaline myopathy 6. Last evaluated: 2022-07-19. Review status: criteria provided, single submitter. Criteria: Invitae Variant Classification Sherloc (09022015). Collection method: clinical testing. Allele origin: germline.
Comment: This variant is not present in population databases (gnomAD no frequency). In summary, the available evidence is currently insufficient to determine the role of this variant in disease. Therefore, it has been classified as a Variant of Uncertain Significance. Algorithms developed to predict the effect of missense changes on protein structure and function are either unavailable or do not agree on the potential impact of this missense change (SIFT: "Deleterious"; PolyPhen-2: "Probably Damaging"; Align-GVGD: "Class C0"). ClinVar contains an entry for this variant (Variation ID: 1395339). This variant has not been reported in the literature in individuals affected with KBTBD13-related conditions. This sequence change replaces proline, which is neutral and non-polar, with leucine, which is neutral and non-polar, at codon 444 of the KBTBD13 protein (p.Pro444Leu).

NM_001101362.3(KBTBD13):c.1331C>T (p.Pro444Leu)

Gene: KBTBD13 (kelch repeat and BTB domain containing 13; plus strand). Cytogenetic location: 15q22.31.
Variant type: single nucleotide variant.
Coding change: c.1331C>T on transcript NM_001101362.3 (MANE Select); coding-DNA position 1331, C replaced by T.
Protein change: p.Pro444Leu; replaces proline 444 with leucine.
Molecular consequence: missense variant.
Genome position (GRCh38, 1-based): chr15:65,078,146, C>T. VCF-style: chr15-65078146-C-T. GRCh37 (hg19) VCF-style: chr15-65370484-C-T.
Other names: short protein forms P444L.
Identifiers: ClinVar variation 1395339 (VCV001395339.6), dbSNP rs1301827044, ClinGen allele CA392867145.